The following is an entry in ClinVar:

ClinVar aggregate classification (germline): Uncertain significance (1 of 4 stars; one submission).

Conditions:
Progressive myoclonic epilepsy. Also called: Myoclonus epilepsy; Familial progressive myoclonic epilepsy; Myoclonic Epilepsies, Progressive; Progressive myoclonus epilepsy. Identifiers: Orphanet 308, Orphanet 98261, MedGen C0751778, MONDO:0020074.

Allele frequency attached by ClinVar (database versions not stated): gnomAD exomes below 0.00001; gnomAD 0.00001; TOPMed 0.00001.
gnomAD v4.1: 2 of 1,614,038 alleles (0.00012%); highest among the groups gnomAD compares: African/African-American, 0.0027%; no homozygotes.

Submission:

Labcorp Genetics (formerly Invitae), Labcorp
Classification: Uncertain significance for Progressive myoclonic epilepsy. Last evaluated: 2022-03-13. Review status: criteria provided, single submitter. Criteria: Invitae Variant Classification Sherloc (09022015). Collection method: clinical testing. Allele origin: germline.
Comment: In summary, the available evidence is currently insufficient to determine the role of this variant in disease. Therefore, it has been classified as a Variant of Uncertain Significance. Algorithms developed to predict the effect of sequence changes on RNA splicing suggest that this variant may create or strengthen a splice site. Algorithms developed to predict the effect of missense changes on protein structure and function (SIFT, PolyPhen-2, Align-GVGD) all suggest that this variant is likely to be tolerated. This variant has not been reported in the literature in individuals affected with SCARB2-related conditions. This variant is not present in population databases (gnomAD no frequency). This sequence change replaces methionine, which is neutral and non-polar, with isoleucine, which is neutral and non-polar, at codon 443 of the SCARB2 protein (p.Met443Ile).

NM_005506.4(SCARB2):c.1329G>A (p.Met443Ile)

Gene: SCARB2 (scavenger receptor class B member 2; minus strand). Cytogenetic location: 4q21.1.
Variant type: single nucleotide variant.
Coding change: c.1329G>A on transcript NM_005506.4 (MANE Select); coding-DNA position 1329, G replaced by A.
Protein change: p.Met443Ile; replaces methionine 443 with isoleucine.
Molecular consequence: missense variant.
Genome position (GRCh38, 1-based): chr4:76,163,294, C>T on the plus strand (G>A on the coding strand, the complement: SCARB2 is on the minus strand). VCF-style: chr4-76163294-C-T. GRCh37 (hg19) VCF-style: chr4-77084447-C-T.
Other names: c.900G>A, p.Met300Ile (NM_001204255.2); short protein forms M443I, M300I.
Identifiers: ClinVar variation 1395820 (VCV001395820.6), dbSNP rs1232863838, ClinGen allele CA357313409.
Genomic context (GRCh38, chr4:76,163,294, plus strand): 5'-GGATCCCTGTCCTTTGCATGCAAGCCAGGTAAAAACCAAACCAAAGAACACACCCAGCGC[C>T]ATGATGATGTAGGGTATGTTGGTGATGATCAAAGTAGTGTTAATCATAGACTTCAGTCGA-3'
Protein context (NP_005497.1, residues 433-453): LIITNIPYII[Met443Ile]ALGVFFGLVF